The following is an entry in ClinVar:

ClinVar aggregate classification (germline): Conflicting classifications of pathogenicity. Review status: criteria provided, conflicting classifications (1 of 4 stars). 3 submissions from 3 submitters: Uncertain significance (1); Likely benign (2). Last evaluated 2026-02-01.

Conditions:
Autosomal dominant cerebellar ataxia. Also called: Spinocerebellar Ataxia, Dominant. Identifiers: Orphanet 99, MedGen C4087347, MONDO:0020380.

Allele frequency attached by ClinVar (database versions not stated): gnomAD 0.00001 and 0.00002; TOPMed 0.00002; ExAC 0.00003; gnomAD exomes 0.00003.
gnomAD v4.1: 38 of 1,613,610 alleles (0.0024%); highest among the groups gnomAD compares: Middle Eastern, 0.016%; no homozygotes.

Submissions (3):

CeGaT Center for Human Genetics Tuebingen
Classification: Likely benign. Last evaluated: 2026-02-01. Review status: criteria provided, single submitter. Criteria: CeGaT Center For Human Genetics Tuebingen Variant Classification Criteria Version 2. Collection method: clinical testing. Allele origin: germline. Affected: yes. Observed: 1 variant allele.
Comment: ITPR1: BP4, BP7

Labcorp Genetics (formerly Invitae), Labcorp
Classification: Likely benign. Last evaluated: 2025-09-23. Review status: criteria provided, single submitter. Criteria: Invitae Variant Classification Sherloc (09022015). Collection method: clinical testing. Allele origin: germline.

Illumina Laboratory Services, Illumina
Classification: Uncertain significance for Spinocerebellar Ataxia, Dominant. Last evaluated: 2018-01-13. Review status: criteria provided, single submitter. Criteria: ICSL Variant Classification Criteria 13 December 2019. Collection method: clinical testing. Allele origin: germline.

NM_001378452.1(ITPR1):c.2880C>T (p.Ala960=)

Gene: ITPR1 (inositol 1,4,5-trisphosphate receptor type 1; plus strand). Cytogenetic location: 3p26.1.
Variant type: single nucleotide variant.
Coding change: c.2880C>T on transcript NM_001378452.1 (MANE Select); coding-DNA position 2880, C replaced by T.
Protein change: p.Ala960=; no amino-acid change (alanine 960 retained).
Molecular consequence: synonymous variant.
Genome position (GRCh38, 1-based): chr3:4,676,714, C>T. VCF-style: chr3-4676714-C-T. GRCh37 (hg19) VCF-style: chr3-4718398-C-T.
Other names: c.2853C>T, p.Ala951= (NM_001099952.4); c.2835C>T, p.Ala945= (NM_001168272.2); c.2808C>T, p.Ala936= (NM_002222.7).
Identifiers: ClinVar variation 345718 (VCV000345718.13), dbSNP rs764301997, ClinGen allele CA2231543.